The following is an entry in ClinVar:

ClinVar aggregate classification (germline): Uncertain significance (1 of 4 stars; one submission).

Conditions:
Gorlin syndrome. Also called: Nevoid Basal Cell Carcinoma Syndrome; Basal cell nevus syndrome. Identifiers: Orphanet 377, MedGen C0004779, MONDO:0007187.

Allele frequency attached by ClinVar (database versions not stated): TOPMed below 0.00001.

Submission:

Labcorp Genetics (formerly Invitae), Labcorp
Classification: Uncertain significance for Gorlin syndrome. Last evaluated: 2023-10-14. Review status: criteria provided, single submitter. Criteria: Invitae Variant Classification Sherloc (09022015). Collection method: clinical testing. Allele origin: germline.
Comment: This sequence change replaces leucine, which is neutral and non-polar, with phenylalanine, which is neutral and non-polar, at codon 984 of the PTCH2 protein (p.Leu984Phe). This variant is not present in population databases (gnomAD no frequency). This variant has not been reported in the literature in individuals affected with PTCH2-related conditions. Advanced modeling of protein sequence and biophysical properties (such as structural, functional, and spatial information, amino acid conservation, physicochemical variation, residue mobility, and thermodynamic stability) performed at Invitae indicates that this missense variant is not expected to disrupt PTCH2 protein function. In summary, the available evidence is currently insufficient to determine the role of this variant in disease. Therefore, it has been classified as a Variant of Uncertain Significance.

NM_003738.5(PTCH2):c.2950C>T (p.Leu984Phe)

Gene: PTCH2 (patched 2; minus strand). Cytogenetic location: 1p34.1.
Variant type: single nucleotide variant.
Coding change: c.2950C>T on transcript NM_003738.5 (MANE Select); coding-DNA position 2950, C replaced by T.
Protein change: p.Leu984Phe; replaces leucine 984 with phenylalanine.
Molecular consequence: missense variant.
Genome position (GRCh38, 1-based): chr1:44,826,514, G>A on the plus strand (C>T on the coding strand, the complement: PTCH2 is on the minus strand). VCF-style: chr1-44826514-G-A. GRCh37 (hg19) VCF-style: chr1-45292186-G-A.
Other names: c.2950C>T, p.Leu984Phe (NM_001166292.2); short protein forms L984F.
Identifiers: ClinVar variation 2882759 (VCV002882759.3), dbSNP rs1653151406, ClinGen allele CA340108868.